The following is an entry in ClinVar:

ClinVar aggregate classification (germline): Conflicting classifications of pathogenicity. Review status: criteria provided, conflicting classifications (1 of 4 stars). 8 submissions from 8 submitters: Uncertain significance (4); Benign (1); Likely benign (3). Last evaluated 2026-01-31.

Conditions:
Basal cell nevus syndrome 1 (BCNS1). Also called: GORLIN-GOLTZ SYNDROME; MULTIPLE BASAL CELL NEVI, ODONTOGENIC KERATOCYSTS, AND SKELETAL ANOMALIES. Identifiers: MedGen CN376810, MONDO:0958174, OMIM 109400.
Hereditary cancer-predisposing syndrome. Also called: Neoplastic Syndromes, Hereditary; Tumor predisposition; Hereditary neoplastic syndrome; Hereditary Cancer Syndrome. Identifiers: Orphanet 140162, MedGen C0027672, MeSH D009386, MONDO:0015356.
Gorlin syndrome. Also called: Basal cell nevus syndrome; Nevoid Basal Cell Carcinoma Syndrome. Identifiers: Orphanet 377, MedGen C0004779, MONDO:0007187.
PTCH1-related disorder. Also called: PTCH1-related disorders; PTCH1-related condition.

Allele frequency attached by ClinVar (database versions not stated): gnomAD exomes 0.00001 and 0.00002; ExAC 0.00002; gnomAD 0.00002; TOPMed 0.00003.
gnomAD v4.1: 56 of 1,614,040 alleles (0.0035%); highest among the groups gnomAD compares: East Asian, 0.011%; no homozygotes.

Submissions (8):

Labcorp Genetics (formerly Invitae), Labcorp
Classification: Benign for Gorlin syndrome. Last evaluated: 2026-01-31. Review status: criteria provided, single submitter. Criteria: Invitae Variant Classification Sherloc (09022015). Collection method: clinical testing. Allele origin: germline.

Quest Diagnostics Nichols Institute San Juan Capistrano
Classification: Uncertain significance. Last evaluated: 2025-10-14. Review status: criteria provided, single submitter. Criteria: Quest Diagnostics criteria. Collection method: clinical testing. Allele origin: unknown.
Comment: The PTCH1 c.2105C>G (p.Pro702Arg) variant has been reported in the published literature in individuals with breast and/or ovarian cancer (PMID: 27153395 (2016)), colon cancer (PMID: 30093976 (2018)), and lung adenocarcinoma (PMID: 30032850 (2018)). The frequency of this variant in the general population (Genome Aggregation Database) is uninformative in the assessment of its pathogenicity. Analysis of this variant using bioinformatics tools for the prediction of the effect of amino acid changes on protein structure and function yielded predictions that this variant is damaging. Based on the available information, we are unable to determine the clinical significance of this variant.

PreventionGenetics, part of Exact Sciences
Classification: Likely benign for PTCH1-related condition. Last evaluated: 2025-10-10. Review status: criteria provided, single submitter. Criteria: ACMG Guidelines, 2015. Collection method: clinical testing. Allele origin: germline.
Comment: This variant is classified as likely benign based on ACMG/AMP sequence variant interpretation guidelines (Richards et al. 2015 PMID: 25741868, with internal and published modifications).

St. Jude Molecular Pathology, St. Jude Children's Research Hospital
Classification: Uncertain significance for Basal cell nevus syndrome 1. Last evaluated: 2025-06-17. Review status: criteria provided, single submitter. Criteria: St. Jude Assertion Criteria 2020. Collection method: clinical testing. Allele origin: germline.
Comment: The PTCH1 c.2105C>G p.(Pro702Arg) missense change has a maximum subpopulation frequency of 0.006% in gnomAD v2.1.1. The in silico tool REVEL is inconclusive about a pathogenic or benign effect of this variant on protein function, and to our knowledge functional studies have not been performed. To our knowledge, this variant has not been reported in individuals with nevoid basal cell carcinoma syndrome. In summary, the evidence currently available is insufficient to determine the clinical significance of this variant. It has therefore been classified as of uncertain significance.

Blueprint Genetics
Classification: Likely benign. Last evaluated: 2024-11-01. Review status: criteria provided, single submitter. Criteria: ACMG Guidelines, 2015. Collection method: clinical testing. Allele origin: germline.

Sema4
Classification: Uncertain significance for Hereditary cancer-predisposing syndrome. Last evaluated: 2021-04-23. Review status: criteria provided, single submitter. Criteria: Sema4 Curation Guidelines. Collection method: curation. Allele origin: germline.
Comment: The PTCH1 c.2105C>G (p.P702R) variant has been reported in heterozygosity in one individual with lung cancer and one individual with colorectal cancer (PMID: 30032850, 30093976). This variant was observed in 2/34590 chromosomes in the Latino population according to the Genome Aggregation Database (PMID: 32461654). This variant has been reported in ClinVar (Variation ID: 183062). In silico tools suggest the impact of the variant on protein function is inconclusive, though these predictions have not been confirmed by functional studies The overall evidence is insufficient to meet ACMG/AMP requirements for a classification of benign or pathogenic. In summary, the clinical significance of this variant is currently uncertain.

GeneDx
Classification: Uncertain significance. Last evaluated: 2021-03-16. Review status: criteria provided, single submitter. Criteria: GeneDx Variant Classification Process June 2021. Collection method: clinical testing. Allele origin: germline. Affected: yes.
Comment: In silico analysis supports that this missense variant does not alter protein structure/function; Observed in an individual with colon cancer, however additional information as not provided (Chan et al., 2018); Observed in an individual with lung adenocarcinoma who also harbored variants in other cancer related genes (Donner eta l., 2018); This variant is associated with the following publications: (PMID: 30093976, 30032850)

Ambry Genetics
Classification: Likely benign for Hereditary cancer-predisposing syndrome. Last evaluated: 2018-04-13. Review status: criteria provided, single submitter. Criteria: Ambry Variant Classification Scheme 2023. Collection method: clinical testing. Allele origin: germline.

Literature cited by the submitters: PubMed 27153395 (cited by Quest Diagnostics Nichols Institute San Juan Capistrano); PubMed 30093976 (cited by Quest Diagnostics Nichols Institute San Juan Capistrano and Sema4); PubMed 30032850 (cited by Quest Diagnostics Nichols Institute San Juan Capistrano and Sema4).

NM_000264.5(PTCH1):c.2105C>G (p.Pro702Arg)

Genes: PTCH1 (patched 1; minus strand), LOC100507346 (uncharacterized LOC100507346; plus strand). Cytogenetic location: 9q22.32.
Variant type: single nucleotide variant.
Coding change: c.2105C>G on transcript NM_000264.5 (MANE Select); coding-DNA position 2105, C replaced by G.
Protein change: p.Pro702Arg; replaces proline 702 with arginine.
Molecular consequence: missense variant. On other transcripts: non-coding transcript variant (2).
Genome position (GRCh38, 1-based): chr9:95,468,896, G>C on the plus strand (C>G on the coding strand, the complement: PTCH1 is on the minus strand). VCF-style: chr9-95468896-G-C. GRCh37 (hg19) VCF-style: chr9-98231178-G-C.
Other names: c.1907C>G, p.Pro636Arg (NM_001083602.3); c.2102C>G, p.Pro701Arg (NM_001083603.3); c.1652C>G, p.Pro551Arg (NM_001083604.3, NM_001083605.3, NM_001083606.3 and 1 more transcripts); c.1949C>G, p.Pro650Arg (NM_001354918.2); short protein forms P636R, P702R, P551R, P701R, P650R.
Identifiers: ClinVar variation 183062 (VCV000183062.28), dbSNP rs368362152, ClinGen allele CA333764.